The following is an entry in ClinVar:

ClinVar aggregate classification (germline): Benign/Likely benign. Review status: criteria provided, multiple submitters, no conflicts (2 of 4 stars). 5 submissions from 5 submitters: Benign (4); Likely benign (1). Last evaluated 2026-02-04.

Conditions:
MHC class II deficiency. Also called: Bare lymphocyte syndrome 2; BLS, TYPE II. Identifiers: Orphanet 572, MedGen C5447452, MONDO:0008855.
Rheumatoid arthritis (RA). Also called: RHEUMATOID ARTHRITIS, SUSCEPTIBILITY TO. Identifiers: MedGen C0003873, MONDO:0008383, OMIM 180300, HP:0001370.

Allele frequency attached by ClinVar (database versions not stated): 1000 Genomes Project 0.00559; ESP Exome Variant Server 0.00015; TOPMed 0.00101; gnomAD 0.00155 and 0.00194; gnomAD exomes 0.00164 and 0.00298; ExAC 0.00320; 1000 Genomes Project 30x 0.00468.
gnomAD v4.1: 2,663 of 1,611,308 alleles (0.17%); highest among the groups gnomAD compares: East Asian, 3%; 48 homozygotes.

Submissions (5):

Labcorp Genetics (formerly Invitae), Labcorp
Classification: Benign for MHC class II deficiency. Last evaluated: 2026-02-04. Review status: criteria provided, single submitter. Criteria: Invitae Variant Classification Sherloc (09022015). Collection method: clinical testing. Allele origin: germline.

Women's Health and Genetics/Laboratory Corporation of America, LabCorp
Classification: Benign. Last evaluated: 2026-01-22. Review status: criteria provided, single submitter. Criteria: LabCorp Variant Classification Summary - May 2015. Collection method: clinical testing. Allele origin: germline.

Blueprint Genetics
Classification: Likely benign. Last evaluated: 2024-11-14. Review status: criteria provided, single submitter. Criteria: ACMG Guidelines, 2015. Collection method: clinical testing. Allele origin: germline.

Fulgent Genetics
Classification: Benign for Rheumatoid arthritis; MHC class II deficiency 1. Last evaluated: 2021-12-14. Review status: criteria provided, single submitter. Criteria: ACMG Guidelines, 2015. Collection method: clinical testing. Allele origin: unknown.

Illumina Laboratory Services, Illumina
Classification: Benign for MHC class II deficiency 1. Last evaluated: 2017-04-27. Review status: criteria provided, single submitter. Criteria: ICSL Variant Classification Criteria 13 December 2019. Collection method: clinical testing. Allele origin: germline.
Comment: This variant was observed as part of a predisposition screen in an ostensibly healthy population. A literature search was performed for the gene, cDNA change, and amino acid change (where applicable). Publications were found based on this search. The evidence from the literature, in combination with allele frequency data from public databases where available, was sufficient to rule this variant out of causing disease. Therefore, this variant is classified as benign.

Literature cited by the submitters: PubMed 15897313 (cited by Illumina Laboratory Services, Illumina).

NM_000246.4(CIITA):c.358+11G>A

Gene: CIITA (class II major histocompatibility complex transactivator; plus strand). Cytogenetic location: 16p13.13.
Variant type: single nucleotide variant.
Coding change: c.358+11G>A on transcript NM_000246.4 (MANE Select); 11 bases into the intron after coding-DNA position 358, G replaced by A.
Molecular consequence: intron variant.
Genome position (GRCh38, 1-based): chr16:10,898,743, G>A. VCF-style: chr16-10898743-G-A. GRCh37 (hg19) VCF-style: chr16-10992600-G-A.
Other names: c.358+11G>A (NM_001286402.1, NM_001379332.1, NM_001379330.1 and 3 more transcripts); c.286+11G>A (NM_001379334.1).
Identifiers: ClinVar variation 887591 (VCV000887591.15), dbSNP rs118033640, ClinGen allele CA7899673.